The following is an entry in ClinVar:

NM_001130987.2(DYSF):c.2409G>T (p.Glu803Asp)

Gene: DYSF (dysferlin; plus strand). Cytogenetic location: 2p13.2.
Variant type: single nucleotide variant.
Coding change: c.2409G>T on transcript NM_001130987.2 (MANE Select); coding-DNA position 2409, G replaced by T.
Protein change: p.Glu803Asp; replaces glutamic acid 803 with aspartic acid.
Molecular consequence: missense variant.
Genome position (GRCh38, 1-based): chr2:71,561,944, G>T. VCF-style: chr2-71561944-G-T. GRCh37 (hg19) VCF-style: chr2-71789074-G-T.
Other names: c.2358G>T, p.Glu786Asp (NM_001130455.2, NM_001130983.2); c.2313G>T, p.Glu771Asp (NM_001130976.2, NM_001130977.2); c.2355G>T, p.Glu785Asp (NM_001130978.2, NM_003494.4); c.2448G>T, p.Glu816Asp (NM_001130979.2); c.2406G>T, p.Glu802Asp (NM_001130980.2, NM_001130981.2); c.2451G>T, p.Glu817Asp (NM_001130982.2); c.2316G>T, p.Glu772Asp (NM_001130984.2, NM_001130986.2); c.2409G>T, p.Glu803Asp (NM_001130985.2); short protein forms E802D, E803D, E816D, E771D, E786D, E785D, E817D, E772D.
Identifiers: ClinVar variation 4773301 (VCV004773301.1).

ClinVar aggregate classification (germline): Uncertain significance (1 of 4 stars; one submission).

Conditions:
Neuromuscular disease caused by qualitative or quantitative defects of dysferlin. Also called: Qualitative or quantitative defects of dysferlin; Dysferlinopathy. Identifiers: Orphanet 207073, MedGen C2931687, MONDO:0016145.

Submission:

Labcorp Genetics (formerly Invitae), Labcorp
Classification: Uncertain significance for Neuromuscular disease caused by qualitative or quantitative defects of dysferlin. Last evaluated: 2025-04-10. Review status: criteria provided, single submitter. Criteria: Invitae Variant Classification Sherloc (09022015). Collection method: clinical testing. Allele origin: germline.
Comment: This sequence change replaces glutamic acid, which is acidic and polar, with aspartic acid, which is acidic and polar, at codon 785 of the DYSF protein (p.Glu785Asp). This variant also falls at the last nucleotide of exon 23, which is part of the consensus splice site for this exon. This variant is not present in population databases (gnomAD no frequency). This missense change has been observed in individual(s) with clinical features of Miyoshi myopathy (internal data). An algorithm developed to predict the effect of missense changes on protein structure and function (PolyPhen-2) suggests that this variant is likely to be disruptive. Variants that disrupt the consensus splice site are a relatively common cause of aberrant splicing (PMID: 17576681, 9536098). Algorithms developed to predict the effect of sequence changes on RNA splicing suggest that this variant may disrupt the consensus splice site. In summary, the available evidence is currently insufficient to determine the role of this variant in disease. Therefore, it has been classified as a Variant of Uncertain Significance.

Literature cited by the submitters: PubMed 17576681; PubMed 9536098.